The following is an entry in ClinVar:

NM_001292034.3(TAB2):c.1465A>G (p.Asn489Asp)

Genes: TAB2 (TGF-beta activated kinase 1 (MAP3K7) binding protein 2; plus strand), LOC126859827 (BRD4-independent group 4 enhancer GRCh37_chr6:149699707-149700906; plus strand). Cytogenetic location: 6q25.1.
Variant type: single nucleotide variant.
Coding change: c.1465A>G on transcript NM_001292034.3 (MANE Select); coding-DNA position 1465, A replaced by G.
Protein change: p.Asn489Asp; replaces asparagine 489 with aspartic acid.
Molecular consequence: missense variant.
Genome position (GRCh38, 1-based): chr6:149,379,380, A>G. VCF-style: chr6-149379380-A-G. GRCh37 (hg19) VCF-style: chr6-149700516-A-G.
Other names: c.1369A>G, p.Asn457Asp (NM_001292035.3); c.1465A>G, p.Asn489Asp (NM_001369506.1, NM_015093.6); short protein forms N457D, N489D.
Identifiers: ClinVar variation 3012213 (VCV003012213.3), dbSNP rs538132591, ClinGen allele CA4041543.

ClinVar aggregate classification (germline): Uncertain significance (1 of 4 stars; one submission).

Allele frequency attached by ClinVar (database versions not stated): gnomAD exomes below 0.00001; ExAC 0.00001; gnomAD 0.00001; 1000 Genomes Project 30x 0.00016; 1000 Genomes Project 0.00020.
gnomAD v4.1: 2 of 1,614,124 alleles (0.00012%); highest among the groups gnomAD compares: South Asian, 0.0022%; no homozygotes.

Submission:

Labcorp Genetics (formerly Invitae), Labcorp
Classification: Uncertain significance. Last evaluated: 2023-06-20. Review status: criteria provided, single submitter. Criteria: Invitae Variant Classification Sherloc (09022015). Collection method: clinical testing. Allele origin: germline.
Comment: This sequence change replaces asparagine, which is neutral and polar, with aspartic acid, which is acidic and polar, at codon 489 of the TAB2 protein (p.Asn489Asp). This variant is present in population databases (rs538132591, gnomAD 0.003%). This variant has not been reported in the literature in individuals affected with TAB2-related conditions. Advanced modeling of protein sequence and biophysical properties (such as structural, functional, and spatial information, amino acid conservation, physicochemical variation, residue mobility, and thermodynamic stability) has been performed at Invitae for this missense variant, however the output from this modeling did not meet the statistical confidence thresholds required to predict the impact of this variant on TAB2 protein function. In summary, the available evidence is currently insufficient to determine the role of this variant in disease. Therefore, it has been classified as a Variant of Uncertain Significance.